The following is an entry in ClinVar:

ClinVar aggregate classification (germline): Likely pathogenic (1 of 4 stars; one submission).

Conditions:
Mucopolysaccharidosis, MPS-III-A (MPS3A). Also called: HEPARAN SULFATE SULFATASE DEFICIENCY; SANFILIPPO SYNDROME A; SULFAMIDASE DEFICIENCY; MPS III A; Mucopolysaccharidosis type IIIA (Sanfilippo A); Mucopolysaccharidosis, type IIIA. Identifiers: Orphanet 581, Orphanet 79269, MedGen C0086647, MONDO:0009655, OMIM 252900.

Submission:

Labcorp Genetics (formerly Invitae), Labcorp
Classification: Likely pathogenic for Mucopolysaccharidosis, MPS-III-A. Last evaluated: 2022-09-01. Review status: criteria provided, single submitter. Criteria: Invitae Variant Classification Sherloc (09022015). Collection method: clinical testing. Allele origin: germline.
Comment: In summary, the currently available evidence indicates that the variant is pathogenic, but additional data are needed to prove that conclusively. Therefore, this variant has been classified as Likely Pathogenic. This variant has not been reported in the literature in individuals affected with SGSH-related conditions. This variant is not present in population databases (gnomAD no frequency). This variant results in the deletion of part of exon 1 (c.36_88+420del) of the SGSH gene. It is expected to disrupt RNA splicing. Variants that disrupt the donor or acceptor splice site typically lead to a loss of protein function (PMID: 16199547), and loss-of-function variants in SGSH are known to be pathogenic (PMID: 11182930, 21204211, 22976768).

Literature cited by the submitters: PubMed 16199547; PubMed 11182930; PubMed 21204211; PubMed 22976768.

NM_000199.5(SGSH):c.36_88+420del

Gene: SGSH (N-sulfoglucosamine sulfohydrolase; minus strand). Cytogenetic location: 17q25.3.
Variant type: Deletion.
Coding change: c.36_88+420del on transcript NM_000199.5 (MANE Select); coding-DNA position 36 through 420 bases into the intron after coding-DNA position 88, 473 bases deleted.
Molecular consequence: splice donor variant.
Genome position (GRCh38, 1-based): chr17:80,219,806-80,220,278, 473 bases deleted. GRCh37 (hg19): chr17:78,193,607-78,194,079.
Other names: c.36_88+420del (NM_001352921.3, NM_001352922.2).
Identifiers: ClinVar variation 2028484 (VCV002028484.4), dbSNP rs2510925752, ClinGen allele CA2580095274.